The following is an entry in ClinVar:

ClinVar aggregate classification (germline): Uncertain significance (1 of 4 stars; one submission).

Conditions:
Hereditary cancer-predisposing syndrome. Also called: Neoplastic Syndromes, Hereditary; Hereditary Cancer Syndrome; Tumor predisposition; Hereditary neoplastic syndrome. Identifiers: Orphanet 140162, MedGen C0027672, MeSH D009386, MONDO:0015356.

Submission:

Ambry Genetics
Classification: Uncertain significance for Hereditary cancer-predisposing syndrome. Last evaluated: 2024-12-19. Review status: criteria provided, single submitter. Criteria: Ambry Variant Classification Scheme 2023. Collection method: clinical testing. Allele origin: germline.
Comment: The p.S1277C variant (also known as c.3830C>G), located in coding exon 31 of the TSC2 gene, results from a C to G substitution at nucleotide position 3830. The serine at codon 1277 is replaced by cysteine, an amino acid with dissimilar properties. This amino acid position is well conserved in available vertebrate species. In addition, the in silico prediction for this alteration is inconclusive. Based on the available evidence, the clinical significance of this variant remains unclear.

NM_000548.5(TSC2):c.3830C>G (p.Ser1277Cys)

Gene: TSC2 (TSC complex subunit 2; plus strand). Cytogenetic location: 16p13.3.
Variant type: single nucleotide variant.
Coding change: c.3830C>G on transcript NM_000548.5 (MANE Select); coding-DNA position 3830, C replaced by G.
Protein change: p.Ser1277Cys; replaces serine 1277 with cysteine.
Molecular consequence: missense variant. On other transcripts: non-coding transcript variant (1), intron variant (33).
Genome position (GRCh38, 1-based): chr16:2,082,451, C>G. VCF-style: chr16-2082451-C-G. GRCh37 (hg19) VCF-style: chr16-2132452-C-G.
Other names: c.3098C>G, p.Ser1033Cys (NM_001318831.2); c.3698C>G, p.Ser1233Cys (NM_001370404.1, NM_001406665.1); c.3701C>G, p.Ser1234Cys (NM_001370405.1, NM_021055.3); c.3827C>G, p.Ser1276Cys (NM_001406663.1); c.3230C>G, p.Ser1077Cys (NM_001406680.1); c.2357C>G, p.Ser786Cys (NM_001406690.1); c.2354C>G, p.Ser785Cys (NM_001406691.1); c.2341+653C>G (NM_001406693.1, NM_001406692.1, NM_001406694.1); and 25 more; short protein forms S1077C, S1277C, S1234C, S786C, S1276C, S785C, S1033C, S1233C.
Identifiers: ClinVar variation 3811303 (VCV003811303.1).